The following is an entry in ClinVar:

ClinVar aggregate classification (germline): Uncertain significance. Review status: criteria provided, multiple submitters, no conflicts (2 of 4 stars). 4 submissions from 4 submitters: Uncertain significance (4). Last evaluated 2026-04-14.

Conditions:
PRX-related disorder. Also called: PRX-Related Disorders; PRX-related condition.
Charcot-Marie-Tooth disease type 4. Also called: Charcot-Marie-Tooth disease, type IV; Charcot-Marie-Tooth, Type 4. Identifiers: Orphanet 64749, MedGen C4082197, MONDO:0018995.

Allele frequency attached by ClinVar (database versions not stated): gnomAD 0.00005 and 0.00006; TOPMed 0.00006; ExAC 0.00012.
gnomAD v4.1: 68 of 1,609,340 alleles (0.0042%); highest among the groups gnomAD compares: East Asian, 0.076%; no homozygotes.

Submissions (4):

PreventionGenetics, part of Exact Sciences
Classification: Uncertain significance for PRX-related condition. Last evaluated: 2026-04-14. Review status: criteria provided, single submitter. Criteria: ACMG Guidelines, 2015. Collection method: clinical testing. Allele origin: germline.
Comment: The PRX c.3422C>T variant is predicted to result in the amino acid substitution p.Ala1141Val. To our knowledge, this variant has not been reported in the literature. This variant is reported in 0.14% of alleles in individuals of East Asian descent in gnomAD. Although we suspect that this variant may be benign, at this time, the clinical significance of this variant is uncertain due to the absence of conclusive functional and genetic evidence.

Mayo Clinic Laboratories, Mayo Clinic
Classification: Uncertain significance. Last evaluated: 2025-12-16. Review status: criteria provided, single submitter. Criteria: ACMG Guidelines, 2015. Collection method: clinical testing. Allele origin: germline. Observed: 1 variant allele.
Comment: BP4_moderate

GeneDx
Classification: Uncertain significance. Last evaluated: 2023-06-15. Review status: criteria provided, single submitter. Criteria: GeneDx Variant Classification Process June 2021. Collection method: clinical testing. Allele origin: germline. Affected: yes.
Comment: In silico analysis supports that this missense variant does not alter protein structure/function; Has not been previously published as pathogenic or benign to our knowledge

Labcorp Genetics (formerly Invitae), Labcorp
Classification: Uncertain significance for Charcot-Marie-Tooth disease type 4. Last evaluated: 2022-08-16. Review status: criteria provided, single submitter. Criteria: Invitae Variant Classification Sherloc (09022015). Collection method: clinical testing. Allele origin: germline.
Comment: This sequence change replaces alanine, which is neutral and non-polar, with valine, which is neutral and non-polar, at codon 1141 of the PRX protein (p.Ala1141Val). This variant is present in population databases (rs201233076, gnomAD 0.1%). This variant has not been reported in the literature in individuals affected with PRX-related conditions. ClinVar contains an entry for this variant (Variation ID: 1002754). Algorithms developed to predict the effect of missense changes on protein structure and function are either unavailable or do not agree on the potential impact of this missense change (SIFT: "Tolerated"; PolyPhen-2: "Possibly Damaging"; Align-GVGD: "Class C0"). In summary, the available evidence is currently insufficient to determine the role of this variant in disease. Therefore, it has been classified as a Variant of Uncertain Significance.

NM_181882.3(PRX):c.3422C>T (p.Ala1141Val)

Gene: PRX (periaxin; minus strand). Cytogenetic location: 19q13.2.
Variant type: single nucleotide variant.
Coding change: c.3422C>T on transcript NM_181882.3 (MANE Select); coding-DNA position 3422, C replaced by T.
Protein change: p.Ala1141Val; replaces alanine 1141 with valine.
Molecular consequence: missense variant. On other transcripts: 3 prime UTR variant (1).
Genome position (GRCh38, 1-based): chr19:40,394,930, G>A on the plus strand (C>T on the coding strand, the complement: PRX is on the minus strand). VCF-style: chr19-40394930-G-A. GRCh37 (hg19) VCF-style: chr19-40900837-G-A.
Other names: p.Ala1141Val; c.*3627C>T (NM_020956.2); short protein forms A1141V.
Identifiers: ClinVar variation 1002754 (VCV001002754.8), dbSNP rs201233076, ClinGen allele CA9443860.